The following is an entry in ClinVar:

NM_001374736.1(DST):c.16770+5T>C

Gene: DST (dystonin; minus strand). Cytogenetic location: 6p12.1.
Variant type: single nucleotide variant.
Coding change: c.16770+5T>C on transcript NM_001374736.1 (MANE Select); 5 bases into the intron after coding-DNA position 16770, T replaced by C.
Molecular consequence: intron variant.
Genome position (GRCh38, 1-based): chr6:56,536,774, A>G on the plus strand (T>C on the coding strand, the complement: DST is on the minus strand). VCF-style: chr6-56536774-A-G. GRCh37 (hg19) VCF-style: chr6-56401572-A-G.
Other names: c.10413+5T>C (NM_001144769.5); c.16770+5T>C (NM_001374722.1); c.16797+5T>C (NM_001374734.1); c.9999+5T>C (NM_001144770.2); c.9879+5T>C (NM_001374730.1, NM_001386100.1, NM_183380.4); c.16137+5T>C (NM_001374729.1); c.8901+5T>C (NM_015548.5).
Identifiers: ClinVar variation 1053731 (VCV001053731.9), dbSNP rs769121936, ClinGen allele CA3867602.

ClinVar aggregate classification (germline): Uncertain significance. Review status: criteria provided, multiple submitters, no conflicts (2 of 4 stars). 2 submissions from 2 submitters: Uncertain significance (2). Last evaluated 2020-11-19.

Conditions:
Inborn genetic diseases. Identifiers: MedGen C0950123, MeSH D030342.
Epidermolysis bullosa simplex 3, localized or generalized intermediate, with BP230 deficiency (EBS3). Also called: Epidermolysis bullosa simplex due to BP230 deficiency; Epidermolysis bullosa simplex, autosomal recessive 2. Identifiers: Orphanet 412181, MedGen C3809470, MONDO:0014180, OMIM 615425.
Hereditary sensory and autonomic neuropathy type 6. Also called: HSAN VI; Neuropathy, hereditary sensory and autonomic, type VI. Identifiers: Orphanet 314381, MedGen C3539003, MONDO:0013839, OMIM 614653.

Allele frequency attached by ClinVar (database versions not stated): gnomAD exomes below 0.00001; ExAC 0.00001; TOPMed 0.00001.
gnomAD v4.1: 1 of 1,533,592 alleles (0.000065%); highest among the groups gnomAD compares: African/African-American, 0.0014%; no homozygotes.

Submissions (2):

Ambry Genetics
Classification: Uncertain significance for Inborn genetic diseases. Last evaluated: 2020-11-19. Review status: criteria provided, single submitter. Criteria: Ambry Variant Classification Scheme 2023. Collection method: clinical testing. Allele origin: germline.
Comment: The c.10413+5T>C intronic variant results from a T to C substitution 5 nucleotides after coding exon 56 in the DST gene. This nucleotide position is not well conserved in available vertebrate species. In silico splice site analysis predicts that this alteration will not have any significant effect on splicing. Since supporting evidence is limited at this time, the clinical significance of this alteration remains unclear.

Labcorp Genetics (formerly Invitae), Labcorp
Classification: Uncertain significance for Epidermolysis bullosa simplex 3, localized or generalized intermediate, with BP230 deficiency; Hereditary sensory and autonomic neuropathy type 6. Last evaluated: 2020-09-08. Review status: criteria provided, single submitter. Criteria: Invitae Variant Classification Sherloc (09022015). Collection method: clinical testing. Allele origin: germline.
Comment: This variant has not been reported in the literature in individuals with DST-related conditions. This variant is present in population databases (rs769121936, ExAC 0.01%). This sequence change falls in intron 43 of the DST gene. It does not directly change the encoded amino acid sequence of the DST protein, but it affects a nucleotide within the consensus splice site of the intron. The DST gene has multiple clinically relevant transcripts. This variant occurs in alternate transcript NM_015548.4, and corresponds to NM_001723.5:c.*78743T>C in the primary transcript. Experimental studies and prediction algorithms are not available or were not evaluated, and the effect of this variant on mRNA splicing is currently unknown. In summary, the available evidence is currently insufficient to determine the role of this variant in disease. Therefore, it has been classified as a Variant of Uncertain Significance.